The following is an entry in ClinVar:

ClinVar aggregate classification (germline): Uncertain significance (1 of 4 stars; one submission).

Submission:

Labcorp Genetics (formerly Invitae), Labcorp
Classification: Uncertain significance. Last evaluated: 2024-06-20. Review status: criteria provided, single submitter. Criteria: Invitae Variant Classification Sherloc (09022015). Collection method: clinical testing. Allele origin: germline.
Comment: This sequence change replaces valine, which is neutral and non-polar, with methionine, which is neutral and non-polar, at codon 3540 of the RNF213 protein (p.Val3540Met). This variant is not present in population databases (gnomAD no frequency). This variant has not been reported in the literature in individuals affected with RNF213-related conditions. An algorithm developed to predict the effect of missense changes on protein structure and function (PolyPhen-2) suggests that this variant is likely to be disruptive. In summary, the available evidence is currently insufficient to determine the role of this variant in disease. Therefore, it has been classified as a Variant of Uncertain Significance.

NM_001256071.3(RNF213):c.10618G>A (p.Val3540Met)

Genes: RNF213 (ring finger protein 213; plus strand), RNF213-AS1 (RNF213 antisense RNA 1; minus strand). Cytogenetic location: 17q25.3.
Variant type: single nucleotide variant.
Coding change: c.10618G>A on transcript NM_001256071.3 (MANE Select); coding-DNA position 10618, G replaced by A.
Protein change: p.Val3540Met; replaces valine 3540 with methionine.
Molecular consequence: missense variant. On other transcripts: non-coding transcript variant (1).
Genome position (GRCh38, 1-based): chr17:80,354,058, G>A. VCF-style: chr17-80354058-G-A. GRCh37 (hg19) VCF-style: chr17-78327858-G-A.
Other names: c.10765G>A, p.Val3589Met (NM_001410195.1, NM_020914.5); short protein forms V3540M, V3589M.
Identifiers: ClinVar variation 3657189 (VCV003657189.2).